The following is an entry in ClinVar:

ClinVar aggregate classification (germline): Uncertain significance. Review status: criteria provided, multiple submitters, no conflicts (2 of 4 stars). 3 submissions from 3 submitters: Uncertain significance (3). Last evaluated 2025-06-22.

Conditions:
Hereditary pancreatitis (PCTT). Also called: Hereditary chronic pancreatitis; PRSS1-Related Hereditary Pancreatitis. Identifiers: Orphanet 676, MedGen C0238339, MONDO:0008185, OMIM 167800.

Allele frequency attached by ClinVar (database versions not stated): TOPMed below 0.00001.
gnomAD v4.1: 11 of 1,434,124 alleles (0.00077%); highest among the groups gnomAD compares: Non-Finnish European, 0.001%; no homozygotes.

Submissions (3):

Ambry Genetics
Classification: Uncertain significance for Hereditary pancreatitis. Last evaluated: 2025-06-22. Review status: criteria provided, single submitter. Criteria: Ambry Variant Classification Scheme 2023. Collection method: clinical testing. Allele origin: germline.
Comment: The p.D100H variant (also known as c.298G>C), located in coding exon 3 of the PRSS1 gene, results from a G to C substitution at nucleotide position 298. The aspartic acid at codon 100 is replaced by histidine, an amino acid with similar properties. This variant has been reported in association with hereditary pancreatitis (Tautermann G et al. Digestion, 2001;64:226-32). Functional studies suggest this variant causes an increase in trypsinogen but reduced secretion (Schn&uacute;r A et al. Gut, 2014 Feb;63:337-43). This amino acid position is poorly conserved in available vertebrate species. In addition, this alteration is predicted to be deleterious by in silico analysis. Since supporting evidence is limited at this time, the clinical significance of this alteration remains unclear.

Institute of Human Genetics, University of Leipzig Medical Center
Classification: Uncertain significance for Hereditary pancreatitis. Last evaluated: 2025-03-04. Review status: criteria provided, single submitter. Criteria: ACMG Guidelines, 2015. Collection method: clinical testing. Allele origin: unknown. Inheritance: Autosomal dominant inheritance. Affected: yes.
Comment: Criteria applied: PS3_MOD,PM2_SUP

Labcorp Genetics (formerly Invitae), Labcorp
Classification: Uncertain significance for Hereditary pancreatitis. Last evaluated: 2024-05-01. Review status: criteria provided, single submitter. Criteria: Invitae Variant Classification Sherloc (09022015). Collection method: clinical testing. Allele origin: germline.
Comment: This sequence change replaces aspartic acid, which is acidic and polar, with histidine, which is basic and polar, at codon 100 of the PRSS1 protein (p.Asp100His). This variant is not present in population databases (gnomAD no frequency). This missense change has been observed in individual(s) with idiopathic chronic pancreatitis (PMID: 11842279, 23751316). ClinVar contains an entry for this variant (Variation ID: 941662). Advanced modeling of protein sequence and biophysical properties (such as structural, functional, and spatial information, amino acid conservation, physicochemical variation, residue mobility, and thermodynamic stability) performed at Invitae indicates that this missense variant is not expected to disrupt PRSS1 protein function with a negative predictive value of 80%. Experimental studies are conflicting or provide insufficient evidence to determine the effect of this variant on PRSS1 function (PMID: 23455445). In summary, the available evidence is currently insufficient to determine the role of this variant in disease. Therefore, it has been classified as a Variant of Uncertain Significance.

Literature cited by the submitters: PubMed 11842279 (cited by Ambry Genetics and Labcorp Genetics (formerly Invitae), Labcorp); PubMed 23455445 (cited by Ambry Genetics and Labcorp Genetics (formerly Invitae), Labcorp); PubMed 23751316 (cited by Labcorp Genetics (formerly Invitae), Labcorp).

NM_002769.5(PRSS1):c.298G>C (p.Asp100His)

Genes: TRB (T cell receptor beta locus; plus strand), PRSS1 (serine protease 1; plus strand). Cytogenetic location: 7q34.
Variant type: single nucleotide variant.
Coding change: c.298G>C on transcript NM_002769.5 (MANE Select); coding-DNA position 298, G replaced by C.
Protein change: p.Asp100His; replaces aspartic acid 100 with histidine.
Molecular consequence: missense variant.
Genome position (GRCh38, 1-based): chr7:142,751,871, G>C. VCF-style: chr7-142751871-G-C. GRCh37 (hg19) VCF-style: chr7-142459722-G-C.
Other names: short protein forms D100H.
Identifiers: ClinVar variation 941662 (VCV000941662.13), dbSNP rs199507985, ClinGen allele CA369608711.